The following is an entry in ClinVar:

NM_006180.6(NTRK2):c.2001G>A (p.Ser667=)

Gene: NTRK2 (neurotrophic receptor tyrosine kinase 2; plus strand). Cytogenetic location: 9q21.33.
Variant type: single nucleotide variant.
Coding change: c.2001G>A on transcript NM_006180.6 (MANE Select); coding-DNA position 2001, G replaced by A.
Protein change: p.Ser667=; no amino-acid change (serine 667 retained).
Molecular consequence: synonymous variant.
Genome position (GRCh38, 1-based): chr9:84,955,346, G>A. VCF-style: chr9-84955346-G-A. GRCh37 (hg19) VCF-style: chr9-87570261-G-A.
Other names: c.1953G>A, p.Ser651= (NM_001018064.3, NM_001369532.1, NM_001369533.1); c.1917G>A, p.Ser639= (NM_001369534.1); c.1485G>A, p.Ser495= (NM_001369535.1); c.1533G>A, p.Ser511= (NM_001369536.1); c.2001G>A (NM_006180.4).
Identifiers: ClinVar variation 1613107 (VCV001613107.11), dbSNP rs202111021, ClinGen allele CA5105902.

ClinVar aggregate classification (germline): Likely benign. Review status: criteria provided, multiple submitters, no conflicts (2 of 4 stars). 3 submissions from 3 submitters: Likely benign (2). 1 of the submissions does not count toward it. Last evaluated 2025-08-25.

Conditions:
NTRK2-related disorder. Also called: NTRK2-related condition.

Allele frequency attached by ClinVar (database versions not stated): ExAC 0.00003; gnomAD 0.00003; TOPMed 0.00003; gnomAD exomes 0.00004 and 0.00009; ESP Exome Variant Server 0.00008.
gnomAD v4.1: 129 of 1,612,854 alleles (0.008%); highest among the groups gnomAD compares: South Asian, 0.013%; no homozygotes.

Submissions (3):

Labcorp Genetics (formerly Invitae), Labcorp
Classification: Likely benign. Last evaluated: 2025-08-25. Review status: criteria provided, single submitter. Criteria: Invitae Variant Classification Sherloc (09022015). Collection method: clinical testing. Allele origin: germline.

Breakthrough Genomics
Classification: Likely benign. Review status: criteria provided, single submitter. Criteria: ACMG Guidelines, 2015. Collection method: not provided. Allele origin: germline. Inheritance: Autosomal dominant inheritance. Affected: yes.

PreventionGenetics, part of Exact Sciences
Classification: Likely benign for NTRK2-related condition. Last evaluated: 2022-02-11. Review status: no assertion criteria provided. Collection method: clinical testing. Allele origin: germline. Not counted in ClinVar's aggregate classification.
Comment: This variant is classified as likely benign based on ACMG/AMP sequence variant interpretation guidelines (Richards et al. 2015 PMID: 25741868, with internal and published modifications).